The following is an entry in ClinVar:

NM_001040716.2(PC):c.3436dup (p.Glu1146fs)

Gene: PC (pyruvate carboxylase; minus strand). Cytogenetic location: 11q13.2.
Variant type: Duplication.
Coding change: c.3436dup on transcript NM_001040716.2 (MANE Select); coding-DNA position 3436, one base duplicated (G; older notation c.3436dupG).
Protein change: p.Glu1146fs; shifts the reading frame from glutamic acid 1146.
Molecular consequence: frameshift variant.
Genome position (GRCh38, 1-based): chr11:66,849,000, C duplicated on the plus strand (G on the coding strand, the reverse complement: PC is on the minus strand); the first of 2 consecutive C bases (chr11:66,849,000-66,849,001); duplicating either gives the same sequence. VCF-style (leftmost placement, unchanged base first): chr11-66848999-T-TC. GRCh37 (hg19) VCF-style: chr11-66616470-T-TC.
Other names: c.3436dup, p.Glu1146fs (NM_000920.4, NM_022172.3); c.3436dupG (NM_001040716.2); short protein forms E1146fs.
Identifiers: ClinVar variation 3629822 (VCV003629822.1).

ClinVar aggregate classification (germline): Likely pathogenic (1 of 4 stars; one submission).

Conditions:
Pyruvate carboxylase deficiency. Also called: Pyruvate Carboxylase Deficiency Disease; ATAXIA WITH LACTIC ACIDOSIS II; LEIGH NECROTIZING ENCEPHALOPATHY DUE TO PYRUVATE CARBOXYLASE DEFICIENCY; LEIGH SYNDROME DUE TO PYRUVATE CARBOXYLASE DEFICIENCY; PC DEFICIENCY. Identifiers: Orphanet 3008, MedGen C0034341, MONDO:0009949, OMIM 266150.

Submission:

Women's Health and Genetics/Laboratory Corporation of America, LabCorp
Classification: Likely pathogenic for Pyruvate carboxylase deficiency. Last evaluated: 2024-11-05. Review status: criteria provided, single submitter. Criteria: LabCorp Variant Classification Summary - May 2015. Collection method: clinical testing. Allele origin: germline.
Comment: Variant summary: PC c.3436dupG (p.Glu1146GlyfsX26) results in a premature termination codon in the last exon, predicted to cause a truncation of the encoded protein, however, nonsense mediated decay is not expected to occur. The variant was absent in 251060 control chromosomes. c.3436dupG has been reported in the literature in at least one compound heterozygous individual affected with Pyruvate Carboxylase Deficiency, Type B, with functional experiments from patient fibroblasts showing near-absent PC transcripts, absent PC protein, and null PC protein activity (e.g. Ostergaard_2013). The following publication has been ascertained in the context of this evaluation (PMID: 23430542). No submitters have cited clinical-significance assessments for this variant to ClinVar. Based on the evidence outlined above, the variant was classified as likely pathogenic.

Literature cited by the submitters: PubMed 23430542.